The following is an entry in ClinVar:

ClinVar aggregate classification (germline): Likely pathogenic (1 of 4 stars; one submission).

Conditions:
Schimke immuno-osseous dysplasia (SIOD). Also called: Schimke Immunoosseous Dysplasia. Identifiers: Orphanet 1830, MedGen C0877024, MONDO:0009458, OMIM 242900.

Submission:

Labcorp Genetics (formerly Invitae), Labcorp
Classification: Likely pathogenic for Schimke immuno-osseous dysplasia. Last evaluated: 2022-02-19. Review status: criteria provided, single submitter. Criteria: Invitae Variant Classification Sherloc (09022015). Collection method: clinical testing. Allele origin: germline.
Comment: This variant is a gross deletion of the genomic region encompassing exon(s) 11 of the SMARCAL1 gene. This variant would be expected to be in-frame, preserving the integrity of the reading frame. This variant has not been reported in the literature in individuals affected with SMARCAL1-related conditions. This variant disrupts the p.Ser579 amino acid residue in SMARCAL1. Other variant(s) that disrupt this residue have been determined to be pathogenic (PMID: 11799392, 22998683). This suggests that this residue is clinically significant, and that variants that disrupt this residue are likely to be disease-causing. In summary, the currently available evidence indicates that the variant is pathogenic, but additional data are needed to prove that conclusively. Therefore, this variant has been classified as Likely Pathogenic.

Literature cited by the submitters: PubMed 11799392; PubMed 22998683.

NC_000002.11:g.(?_217311721)_(217311901_?)del

Gene: SMARCAL1 (SNF2 related chromatin remodeling annealing helicase 1; plus strand). Cytogenetic location: 2q35.
Variant type: Deletion.
Identifiers: ClinVar variation 2425895 (VCV002425895.3).